The following is an entry in ClinVar:

ClinVar aggregate classification (germline): Uncertain significance (1 of 4 stars; one submission).

Conditions:
POLD1-related polyposis and colorectal cancer syndrome (CRCS10). Also called: Colorectal cancer 10; COLORECTAL CANCER, SUSCEPTIBILITY TO, ON CHROMOSOME 19q; Colorectal cancer, susceptibility to, 10. Identifiers: Orphanet 220460, MedGen C2675481, MONDO:0012953, OMIM 612591.

Submission:

Labcorp Genetics (formerly Invitae), Labcorp
Classification: Uncertain significance for POLD1-related polyposis and colorectal cancer syndrome. Last evaluated: 2018-04-18. Review status: criteria provided, single submitter. Criteria: Invitae Variant Classification Sherloc (09022015). Collection method: clinical testing. Allele origin: germline.
Comment: Missense variants that disrupt the 3'-5' exonuclease (proof-reading) activity of the POLD1 protein, while not abolishing its polymerase enzyme activity, are associated with an increased risk for colonic adenomatous polyps and colon cancer (PMID: 23263490, 23447401). Loss-of-function truncating variants, which result in an absent or severely disrupted POLD1 protein, are therefore unlikely to be associated with disease. Without further clinical and genetic evidence, however, this variant has been classified as a Variant of Uncertain Significance. This variant has not been reported in the literature in individuals with POLD1-related disease. This variant is not present in population databases (ExAC no frequency). This sequence change creates a premature translational stop signal (p.Ala891Argfs*64) in the POLD1 gene. It is expected to result in an absent or disrupted protein product.

Literature cited by the submitters: PubMed 23263490; PubMed 23447401.

NM_002691.4(POLD1):c.2667_2670dup (p.Ala891fs)

Gene: POLD1 (DNA polymerase delta 1, catalytic subunit; plus strand). Cytogenetic location: 19q13.33.
Variant type: Microsatellite.
Coding change: c.2667_2670dup on transcript NM_002691.4 (MANE Select); coding-DNA positions 2667 to 2670, 4 bases duplicated (CGCG; older notation c.2667_2670dupCGCG).
Protein change: p.Ala891fs; shifts the reading frame from alanine 891.
Molecular consequence: frameshift variant. On other transcripts: non-coding transcript variant (1).
Genome position (GRCh38, 1-based): chr19:50,415,540-50,415,543, CGCG duplicated; duplicating any 4 consecutive bases within chr19:50,415,538-50,415,543 gives the same sequence; the c. name uses the placement nearest the transcript's 3' end. VCF-style (leftmost placement, unchanged base first): chr19-50415537-C-CCGCG. GRCh37 (hg19) VCF-style: chr19-50918794-C-CCGCG.
Other names: c.2667_2670dup, p.Ala891fs (NM_001256849.1); c.2745_2748dup, p.Ala917fs (NM_001308632.1); short protein forms A917fs, A891fs.
Identifiers: ClinVar variation 569614 (VCV000569614.8), dbSNP rs1568637967, ClinGen allele CA891844278.